The following is an entry in ClinVar:

NM_005585.5(SMAD6):c.550A>G (p.Lys184Glu)

Gene: SMAD6 (SMAD family member 6; plus strand). Cytogenetic location: 15q22.31.
Variant type: single nucleotide variant.
Coding change: c.550A>G on transcript NM_005585.5 (MANE Select); coding-DNA position 550, A replaced by G.
Protein change: p.Lys184Glu; replaces lysine 184 with glutamic acid.
Molecular consequence: missense variant. On other transcripts: non-coding transcript variant (1).
Genome position (GRCh38, 1-based): chr15:66,703,808, A>G. VCF-style: chr15-66703808-A-G. GRCh37 (hg19) VCF-style: chr15-66996146-A-G.
Other names: short protein forms K184E.
Identifiers: ClinVar variation 4773741 (VCV004773741.1).

ClinVar aggregate classification (germline): Uncertain significance (1 of 4 stars; one submission).

Conditions:
Aortic valve disease 2 (AOVD2). Identifiers: MedGen C3542024, MONDO:0013902, OMIM 614823.

gnomAD v4.1: 1 of 1,433,494 alleles (0.00007%); highest among the groups gnomAD compares: Non-Finnish European, 0.000092%; no homozygotes.

Submission:

Labcorp Genetics (formerly Invitae), Labcorp
Classification: Uncertain significance for Aortic valve disease 2. Last evaluated: 2025-06-15. Review status: criteria provided, single submitter. Criteria: Invitae Variant Classification Sherloc (09022015). Collection method: clinical testing. Allele origin: germline.
Comment: This sequence change replaces lysine, which is basic and polar, with glutamic acid, which is acidic and polar, at codon 184 of the SMAD6 protein (p.Lys184Glu). This variant is not present in population databases (gnomAD no frequency). This variant has not been reported in the literature in individuals affected with SMAD6-related conditions. Invitae Evidence Modeling of protein sequence and biophysical properties (such as structural, functional, and spatial information, amino acid conservation, physicochemical variation, residue mobility, and thermodynamic stability) indicates that this missense variant is not expected to disrupt SMAD6 protein function with a negative predictive value of 80%. In summary, the available evidence is currently insufficient to determine the role of this variant in disease. Therefore, it has been classified as a Variant of Uncertain Significance.